The following is an entry in ClinVar:

ClinVar aggregate classification (germline): Uncertain significance (1 of 4 stars; one submission).

Conditions:
Inborn genetic diseases. Identifiers: MedGen C0950123, MeSH D030342.

Submission:

Ambry Genetics
Classification: Uncertain significance for Inborn genetic diseases. Last evaluated: 2026-03-05. Review status: criteria provided, single submitter. Criteria: Ambry Variant Classification Scheme 2023. Collection method: clinical testing. Allele origin: germline.
Comment: The c.8566G>A (p.V2856I) alteration is located in exon 27 (coding exon 27) of the KMT2A gene. This alteration results from a G to A substitution at nucleotide position 8566, causing the valine (V) at amino acid position 2856 to be replaced by an isoleucine (I). This variant was not reported in population-based cohorts in the Genome Aggregation Database (gnomAD). This amino acid position is highly conserved in available vertebrate species. This missense variant is located in a region that has a low rate of benign missense variation (Lek, 2016; Firth, 2009). The in silico prediction for this alteration is inconclusive. Based on insufficient or conflicting evidence, the clinical significance of this alteration remains unclear.

NM_001197104.2(KMT2A):c.8566G>A (p.Val2856Ile)

Gene: KMT2A (lysine methyltransferase 2A; plus strand). Cytogenetic location: 11q23.3.
Variant type: single nucleotide variant.
Coding change: c.8566G>A on transcript NM_001197104.2 (MANE Select); coding-DNA position 8566, G replaced by A.
Protein change: p.Val2856Ile; replaces valine 2856 with isoleucine.
Molecular consequence: missense variant.
Genome position (GRCh38, 1-based): chr11:118,504,458, G>A. VCF-style: chr11-118504458-G-A. GRCh37 (hg19) VCF-style: chr11-118375173-G-A.
Other names: c.8656G>A, p.Val2886Ile (NM_001412597.1); c.8557G>A, p.Val2853Ile (NM_005933.4); short protein forms V2853I, V2856I, V2886I.
Identifiers: ClinVar variation 4840787 (VCV004840787.1).